The following is an entry in ClinVar:

ClinVar aggregate classification (germline): Pathogenic. Review status: criteria provided, multiple submitters, no conflicts (2 of 4 stars). 2 submissions from 2 submitters: Pathogenic (2). Last evaluated 2025-01-15.

Conditions:
Hypotonia, infantile, with psychomotor retardation and characteristic facies 3 (IHPRF3). Also called: TBCK-Related Neurodevelopmental Disorder. Identifiers: Orphanet 488632, MedGen C5567480, MONDO:0014823, OMIM 616900.

gnomAD v4.1: 3 of 1,611,308 alleles (0.00019%); highest among the groups gnomAD compares: Non-Finnish European, 0.00025%; no homozygotes.

Submissions (2):

Broad Center for Mendelian Genomics, Broad Institute of MIT and Harvard
Classification: Pathogenic for Hypotonia, infantile, with psychomotor retardation and characteristic facies 3. Last evaluated: 2025-01-15. Review status: criteria provided, single submitter. Criteria: ACMG Guidelines, 2015. Collection method: curation. Allele origin: germline. Inheritance: Autosomal recessive inheritance.
Comment: The p.Gln164Ter variant in TBCK has been reported, in the homozygous state, in one individual with TBCK-related intellectual disability syndrome (PMID: 35305867), and has been identified in 0.0003% (3/1110374) of European (non-Finnish) chromosomes by the Genome Aggregation Database (gnomAD). Although this variant has been seen in the general population in a heterozygous state, its frequency is low enough to be consistent with a recessive carrier frequency. This nonsense variant leads to a premature termination codon at position 164, which is predicted to lead to a truncated or absent protein. Loss of function of the TBCK gene is an established disease mechanism in autosomal recessive TBCK-related intellectual disability syndrome. In summary, this variant meets criteria to be classified as pathogenic for autosomal recessive TBCK-related intellectual disability syndrome. ACMG/AMP Criteria applied: PVS1, PM3_supporting, PM2_supporting (Richards 2015).

Labcorp Genetics (formerly Invitae), Labcorp
Classification: Pathogenic. Last evaluated: 2024-04-20. Review status: criteria provided, single submitter. Criteria: Invitae Variant Classification Sherloc (09022015). Collection method: clinical testing. Allele origin: germline.
Comment: This sequence change creates a premature translational stop signal (p.Gln164*) in the TBCK gene. It is expected to result in an absent or disrupted protein product. Loss-of-function variants in TBCK are known to be pathogenic (PMID: 27040692, 30103036). This variant is not present in population databases (gnomAD no frequency). This variant has not been reported in the literature in individuals affected with TBCK-related conditions. For these reasons, this variant has been classified as Pathogenic.

Literature cited by the submitters: PubMed 27040692 (cited by Labcorp Genetics (formerly Invitae), Labcorp); PubMed 30103036 (cited by Labcorp Genetics (formerly Invitae), Labcorp).

NM_001163435.3(TBCK):c.490C>T (p.Gln164Ter)

Gene: TBCK (TBC1 domain containing kinase; minus strand). Cytogenetic location: 4q24.
Variant type: single nucleotide variant.
Coding change: c.490C>T on transcript NM_001163435.3 (MANE Select); coding-DNA position 490, C replaced by T.
Protein change: p.Gln164Ter; replaces glutamine 164 with a stop codon.
Molecular consequence: nonsense. On other transcripts: 5 prime UTR variant (1), intron variant (1).
Genome position (GRCh38, 1-based): chr4:106,251,973, G>A on the plus strand (C>T on the coding strand, the complement: TBCK is on the minus strand). VCF-style: chr4-106251973-G-A. GRCh37 (hg19) VCF-style: chr4-107173130-G-A.
Other names: NM_033115.5:c.301C>T; c.490C>T, p.Gln164Ter (NM_001163436.4); c.-27C>T (NM_001290768.2); c.301C>T, p.Gln101Ter (NM_033115.5); c.480+10C>T (NM_001163437.3); short protein forms Q101*, Q164*.
Identifiers: ClinVar variation 3612880 (VCV003612880.3).